The following is an entry in ClinVar:

NM_005450.6(NOG):c.470T>A (p.Val157Glu)

Gene: NOG (noggin; plus strand). Cytogenetic location: 17q22.
Variant type: single nucleotide variant.
Coding change: c.470T>A on transcript NM_005450.6 (MANE Select); coding-DNA position 470, T replaced by A.
Protein change: p.Val157Glu; replaces valine 157 with glutamic acid.
Molecular consequence: missense variant.
Genome position (GRCh38, 1-based): chr17:56,594,693, T>A. VCF-style: chr17-56594693-T-A. GRCh37 (hg19) VCF-style: chr17-54672054-T-A.
Other names: short protein forms V157E.
Identifiers: ClinVar variation 2576130 (VCV002576130.1), dbSNP rs2545137806, ClinGen allele CA399966269.
Genomic context (GRCh38, chr17:56,594,693, plus strand): 5'-TAAGCAAGAAGCTGCGGAGGAAGTTACAGATGTGGCTGTGGTCGCAGACATTCTGCCCCG[T>A]GCTGTACGCGTGGAACGACCTGGGCAGCCGCTTTTGGCCGCGCTACGTGAAGGTGGGCAG-3'
Protein context (NP_005441.1, residues 147-167): MWLWSQTFCP[Val157Glu]LYAWNDLGSR

ClinVar aggregate classification (germline): Likely pathogenic (1 of 4 stars; one submission).

Submission:

Institute for Clinical Genetics, University Hospital TU Dresden, University Hospital TU Dresden
Classification: Likely pathogenic. Last evaluated: 2023-05-17. Review status: criteria provided, single submitter. Criteria: ACMG Guidelines, 2015. Collection method: clinical testing. Allele origin: germline.
Comment: PP3_STR, PP4, PM2_SUP, PP2